The following is an entry in ClinVar:

ClinVar aggregate classification (germline): Uncertain significance. Review status: criteria provided, multiple submitters, no conflicts (2 of 4 stars). 3 submissions from 3 submitters: Uncertain significance (3). Last evaluated 2025-08-13.

Conditions:
Inborn genetic diseases. Identifiers: MedGen C0950123, MeSH D030342.
Giant axonal neuropathy 1 (GAN1). Also called: GIANT AXONAL NEUROPATHY 1, AUTOSOMAL RECESSIVE; GAN-Related Neurodegeneration. Identifiers: Orphanet 643, MedGen C1850386, MONDO:0009749, OMIM 256850.

Allele frequency attached by ClinVar (database versions not stated): gnomAD 0.00001; gnomAD exomes 0.00001 and 0.00005; TOPMed 0.00001.

Submissions (3):

Ambry Genetics
Classification: Uncertain significance for Inborn genetic diseases. Last evaluated: 2025-08-13. Review status: criteria provided, single submitter. Criteria: Ambry Variant Classification Scheme 2023. Collection method: clinical testing. Allele origin: germline.

Fulgent Genetics
Classification: Uncertain significance for Giant axonal neuropathy 1. Last evaluated: 2022-01-19. Review status: criteria provided, single submitter. Criteria: ACMG Guidelines, 2015. Collection method: clinical testing. Allele origin: unknown.

Labcorp Genetics (formerly Invitae), Labcorp
Classification: Uncertain significance for Giant axonal neuropathy 1. Last evaluated: 2021-11-28. Review status: criteria provided, single submitter. Criteria: Invitae Variant Classification Sherloc (09022015). Collection method: clinical testing. Allele origin: germline.
Comment: This sequence change replaces arginine, which is basic and polar, with glutamine, which is neutral and polar, at codon 201 of the GAN protein (p.Arg201Gln). This variant is present in population databases (no rsID available, gnomAD 0.005%). This variant has not been reported in the literature in individuals affected with GAN-related conditions. ClinVar contains an entry for this variant (Variation ID: 646674). Algorithms developed to predict the effect of missense changes on protein structure and function are either unavailable or do not agree on the potential impact of this missense change (SIFT: "Deleterious"; PolyPhen-2: "Benign"; Align-GVGD: "Class C0"). In summary, the available evidence is currently insufficient to determine the role of this variant in disease. Therefore, it has been classified as a Variant of Uncertain Significance.

NM_022041.4(GAN):c.602G>A (p.Arg201Gln)

Gene: GAN (gigaxonin; plus strand). Cytogenetic location: 16q23.2.
Variant type: single nucleotide variant.
Coding change: c.602G>A on transcript NM_022041.4 (MANE Select); coding-DNA position 602, G replaced by A.
Protein change: p.Arg201Gln; replaces arginine 201 with glutamine.
Molecular consequence: missense variant. On other transcripts: 5 prime UTR variant (1).
Genome position (GRCh38, 1-based): chr16:81,354,724, G>A. VCF-style: chr16-81354724-G-A. GRCh37 (hg19) VCF-style: chr16-81388329-G-A.
Other names: c.-38G>A (NM_001377486.1); short protein forms R201Q.
Identifiers: ClinVar variation 646674 (VCV000646674.6), dbSNP rs967957134, ClinGen allele CA284303747.